The following is an entry in ClinVar:

ClinVar aggregate classification (germline): Pathogenic. Review status: criteria provided, multiple submitters, no conflicts (2 of 4 stars). 2 submissions from 2 submitters: Pathogenic (2). Last evaluated 2023-12-04.

Conditions:
Hereditary breast ovarian cancer syndrome. Also called: Hereditary breast and/or ovarian cancer syndrome; Hereditary breast and ovarian cancer; Hereditary breast and ovarian cancer syndrome (HBOC); BRCA1- and BRCA2-Associated Hereditary Breast and Ovarian Cancer; Hereditary breast and ovarian cancer syndrome; Breast and ovarian cancer. Identifiers: Orphanet 145, MedGen C0677776, MeSH D061325, MONDO:0003582. Disease mechanism: loss of function.
Breast-ovarian cancer, familial, susceptibility to, 2 (BROVCA2). Also called: BRCA2 Hereditary Breast and Ovarian Cancer. Identifiers: Orphanet 145, MedGen C2675520, MONDO:0012933, OMIM 612555. Disease mechanism: loss of function.

Submissions (2):

Labcorp Genetics (formerly Invitae), Labcorp
Classification: Pathogenic for Hereditary breast ovarian cancer syndrome. Last evaluated: 2023-12-04. Review status: criteria provided, single submitter. Criteria: Invitae Variant Classification Sherloc (09022015). Collection method: clinical testing. Allele origin: germline.
Comment: This sequence change creates a premature translational stop signal (p.Leu1019Alafs*3) in the BRCA2 gene. It is expected to result in an absent or disrupted protein product. Loss-of-function variants in BRCA2 are known to be pathogenic (PMID: 20104584). This variant is not present in population databases (gnomAD no frequency). This variant has not been reported in the literature in individuals affected with BRCA2-related conditions. ClinVar contains an entry for this variant (Variation ID: 2032189). For these reasons, this variant has been classified as Pathogenic.

Myriad Genetics, Inc.
Classification: Pathogenic for Breast-ovarian cancer, familial, susceptibility to, 2. Last evaluated: 2023-02-08. Review status: criteria provided, single submitter. Criteria: Myriad Autosomal Dominant, Autosomal Recessive and X-Linked Classification Criteria (2023). Collection method: clinical testing. Allele origin: unknown.
Comment: This variant is considered pathogenic. This variant creates a frameshift predicted to result in premature protein truncation.

Literature cited by the submitters: PubMed 20104584 (cited by Labcorp Genetics (formerly Invitae), Labcorp).

NM_000059.4(BRCA2):c.3053dup (p.Leu1019fs)

Gene: BRCA2 (BRCA2 DNA repair associated; plus strand). Cytogenetic location: 13q13.1.
Variant type: Duplication.
Coding change: c.3053dup on transcript NM_000059.4 (MANE Select); coding-DNA position 3053, one base duplicated (A; older notation c.3053dupA).
Protein change: p.Leu1019fs; shifts the reading frame from leucine 1019.
Molecular consequence: frameshift variant.
Genome position (GRCh38, 1-based): chr13:32,337,408, A duplicated; the last of 2 consecutive A bases (chr13:32,337,407-32,337,408); duplicating either gives the same sequence. VCF-style (leftmost placement, unchanged base first): chr13-32337406-C-CA. GRCh37 (hg19) VCF-style: chr13-32911543-C-CA.
Other names: c.3053dup, p.Leu1019Alafs (NM_001406719.1, NM_001406720.1); short protein forms L1019fs.
Identifiers: ClinVar variation 2032189 (VCV002032189.5), dbSNP rs2548525123, ClinGen allele CA2580087037.
Genomic context (GRCh38, chr13:32,337,406, plus strand): 5'-AGGTCCAATTTCAAATCACAGTTTTGGAGGTAGCTTCAGAACAGCTTCAAATAAGGAAAT[C>CA]AAGCTCTCTGAACATAACATTAAGAAGAGCAAAATGTTCTTCAAAGATATTGAAGAACAA-3'